The following is an entry in ClinVar:

ClinVar aggregate classification (germline): Uncertain significance (1 of 4 stars; one submission).

Submission:

Women's Health and Genetics/Laboratory Corporation of America, LabCorp
Classification: Uncertain significance. Last evaluated: 2024-02-08. Review status: criteria provided, single submitter. Criteria: LabCorp Variant Classification Summary - May 2015. Collection method: clinical testing. Allele origin: germline.
Comment: Variant summary: ARID1B c.410G>C (p.Gly137Ala) results in a non-conservative amino acid change in the encoded protein sequence. Two of three in-silico tools predict a damaging effect of the variant on protein function. The variant was absent in 137314 control chromosomes. The available data on variant occurrences in the general population are insufficient to allow any conclusion about variant significance. To our knowledge, no occurrence of c.410G>C in individuals affected with Coffin-Siris Syndrome 1 and no experimental evidence demonstrating its impact on protein function have been reported. No submitters have cited clinical-significance assessments for this variant to ClinVar. Based on the evidence outlined above, the variant was classified as uncertain significance.

NM_001374828.1(ARID1B):c.410G>C (p.Gly137Ala)

Genes: ARID1B (AT-rich interaction domain 1B; plus strand), LOC115308161 (uncharacterized LOC115308161; minus strand), LOC129997524 (ATAC-STARR-seq lymphoblastoid silent region 17711; plus strand). Cytogenetic location: 6q25.3.
Variant type: single nucleotide variant.
Coding change: c.410G>C on transcript NM_001374828.1 (MANE Select); coding-DNA position 410, G replaced by C.
Protein change: p.Gly137Ala; replaces glycine 137 with alanine.
Molecular consequence: missense variant.
Genome position (GRCh38, 1-based): chr6:156,778,090, G>C. VCF-style: chr6-156778090-G-C. GRCh37 (hg19) VCF-style: chr6-157099224-G-C.
Other names: c.161G>C, p.Gly54Ala (NM_001346813.1, NM_020732.3); c.410G>C, p.Gly137Ala (NM_001371656.1, NM_001374820.1, NM_017519.3); c.-14G>C (NM_175863.2); short protein forms G137A, G54A.
Identifiers: ClinVar variation 3068962 (VCV003068962.2), dbSNP rs2114961823, ClinGen allele CA366381248.